The following is an entry in ClinVar:

ClinVar aggregate classification (germline): Pathogenic (1 of 4 stars; one submission).

Submission:

Quest Diagnostics Nichols Institute San Juan Capistrano
Classification: Pathogenic. Last evaluated: 2023-02-20. Review status: criteria provided, single submitter. Criteria: ACMG/ClinGen CNV Guidelines, 2019. Collection method: clinical testing. Allele origin: unknown.
Comment: This triplication, or partial tetrasomy, of 22q11.21 typically presents in the form of a bisatellited supernumerary marker chromosome (SMC) with two centromeres. Triplications of this region have been identified in individuals with characteristics of cat eye syndrome (CES; OMIM 115470, Glaeser 2021, Knijnenburg 2012, Ko 2010, Kvarnung 2012, Serra 2022). There are no similar copy number gains spanning this region in the general populations of the Database of Genomic Variants. Thus, based on current medical literature and gene content, this copy number variant (CNV) is classified as pathogenic. References: Glaeser et al., Eur J Med Genet. 2021 Nov;64(11):104319. PMID: 34474176 Knijnenburg et al., Eur J Hum Genet. 2012 Sep;20(9):986-9. PMID: 22395867 Ko et al., J Korean Med Sci. 2010 Dec;25(12):1798-801. PMID: 21165297 Kvarnung et al., Am J Med Genet A. 2012 May;158A(5):1111-7. PMID: 22495764 Serra et al., Ital J Pediatr. 2022 Sep 8;48(1):170. PMID: 36076277

GRCh37/hg19 22q11.1-11.21(chr22:16888900-18649190)x4

Genes: CECR2 (CECR2 histone acetyl-lysine reader; plus strand), TMEM121B (transmembrane protein 121B; minus strand), SLC25A18 (solute carrier family 25 member 18; plus strand), CECR3 (cat eye syndrome chromosome region, candidate 3; minus strand), ADA2 (adenosine deaminase 2; minus strand) and 12 more. Cytogenetic location: 22q11.1-11.21.
Variant type: copy number gain.
Change: copy number 4 of chr22:16,888,900-18,649,190 (1.76 Mb, GRCh37 coordinates, 1-based), cytogenetic band 22q11.1-11.21.
Identifiers: ClinVar variation 1807686 (VCV001807686.2).